The following is an entry in ClinVar:

NM_033225.6(CSMD1):c.6610G>A (p.Asp2204Asn)

Gene: CSMD1 (CUB and Sushi multiple domains 1; minus strand). Cytogenetic location: 8p23.2.
Variant type: single nucleotide variant.
Coding change: c.6610G>A on transcript NM_033225.6 (MANE Select); coding-DNA position 6610, G replaced by A.
Protein change: p.Asp2204Asn; replaces aspartic acid 2204 with asparagine.
Molecular consequence: missense variant.
Genome position (GRCh38, 1-based): chr8:3,108,747, C>T on the plus strand (G>A on the coding strand, the complement: CSMD1 is on the minus strand). VCF-style: chr8-3108747-C-T. GRCh37 (hg19) VCF-style: chr8-2966269-C-T.
Other names: short protein forms D2204N.
Identifiers: ClinVar variation 2658330 (VCV002658330.24), dbSNP rs1816313566, ClinGen allele CA369979683.

ClinVar aggregate classification (germline): Uncertain significance (1 of 4 stars; one submission).

Allele frequency attached by ClinVar (database versions not stated): gnomAD exomes 0.00001.
gnomAD v4.1: 8 of 1,608,660 alleles (0.0005%); highest among the groups gnomAD compares: Non-Finnish European, 0.00068%; no homozygotes.

Submission:

CeGaT Center for Human Genetics Tuebingen
Classification: Uncertain significance. Last evaluated: 2022-05-01. Review status: criteria provided, single submitter. Criteria: CeGaT Center For Human Genetics Tuebingen Variant Classification Criteria Version 2. Collection method: clinical testing. Allele origin: germline. Affected: yes. Observed: 1 variant allele.
Comment: CSMD1: PM2